The following is an entry in ClinVar:

NM_000536.4(RAG2):c.826G>A (p.Gly276Ser)

Gene: RAG2 (recombination activating 2; minus strand). Cytogenetic location: 11p12.
Variant type: single nucleotide variant.
Coding change: c.826G>A on transcript NM_000536.4 (MANE Select); coding-DNA position 826, G replaced by A.
Protein change: p.Gly276Ser; replaces glycine 276 with serine.
Molecular consequence: missense variant.
Genome position (GRCh38, 1-based): chr11:36,593,343, C>T on the plus strand (G>A on the coding strand, the complement: RAG2 is on the minus strand). VCF-style: chr11-36593343-C-T. GRCh37 (hg19) VCF-style: chr11-36614893-C-T.
Other names: c.826G>A, p.Gly276Ser (NM_001243785.2, NM_001243786.2); short protein forms G276S.
Identifiers: ClinVar variation 1014836 (VCV001014836.8), dbSNP rs1851074701, ClinGen allele CA380142032.
Genomic context (GRCh38, chr11:36,593,343, plus strand): 5'-TGTTGTCCTCTAAAGAGATGATGTTGCAGATCATTCTTTTTTGATTTTCAAGCTGATAGC[C>T]ACCAACAATAACAAATTCATCATTGTTAGTTTGAGTCAGGATTGCACTGGAGACAGAGAT-3'
Protein context (NP_000527.2, residues 266-286): TNNDEFVIVG[Gly276Ser]YQLENQKRMI

ClinVar aggregate classification (germline): Pathogenic (1 of 4 stars; one submission).

Conditions:
Severe combined immunodeficiency, autosomal recessive, T cell-negative, B cell-negative, NK cell-positive. Also called: Severe combined immunodeficiency due to complete RAG1/2 deficiency; SCID, AR, T-cell negative, B-cell negative, NK cell-positive; SCID, T CELL-NEGATIVE, B CELL-NEGATIVE, NK CELL-POSITIVE. Identifiers: Orphanet 331206, MedGen C1832322, MONDO:0011086, OMIM 601457.
Combined immunodeficiency with skin granulomas. Identifiers: Orphanet 157949, MedGen C2673536, MONDO:0009306, OMIM 233650.

Submission:

Labcorp Genetics (formerly Invitae), Labcorp
Classification: Pathogenic for Combined immunodeficiency with skin granulomas; Severe combined immunodeficiency, autosomal recessive, T cell-negative, B cell-negative, NK cell-positive. Last evaluated: 2022-09-06. Review status: criteria provided, single submitter. Criteria: Invitae Variant Classification Sherloc (09022015). Collection method: clinical testing. Allele origin: germline.
Comment: For these reasons, this variant has been classified as Pathogenic. Algorithms developed to predict the effect of sequence changes on RNA splicing suggest that this variant may create or strengthen a splice site. Advanced modeling of protein sequence and biophysical properties (such as structural, functional, and spatial information, amino acid conservation, physicochemical variation, residue mobility, and thermodynamic stability) performed at Invitae indicates that this missense variant is expected to disrupt RAG2 protein function. ClinVar contains an entry for this variant (Variation ID: 1014836). This missense change has been observed in individual(s) with autosomal recessive severe combined immunodeficiency (SCID) (PMID: 33505738; Invitae). This variant is not present in population databases (gnomAD no frequency). This sequence change replaces glycine, which is neutral and non-polar, with serine, which is neutral and polar, at codon 276 of the RAG2 protein (p.Gly276Ser).

Literature cited by the submitters: PubMed 33505738.